The following is an entry in ClinVar:

NM_024675.4(PALB2):c.185del (p.Asp62fs)

Gene: PALB2 (partner and localizer of BRCA2; minus strand). Cytogenetic location: 16p12.2.
Variant type: Deletion.
Coding change: c.185del on transcript NM_024675.4 (MANE Select); coding-DNA position 185, one base deleted (A; older notation c.185delA).
Protein change: p.Asp62fs; shifts the reading frame from aspartic acid 62.
Molecular consequence: frameshift variant.
Genome position (GRCh38, 1-based): chr16:23,637,876, T deleted on the plus strand (A on the coding strand, the reverse complement: PALB2 is on the minus strand). VCF-style (leftmost placement, unchanged base first): chr16-23637875-AT-A. GRCh37 (hg19) VCF-style: chr16-23649196-AT-A.
Other names: c.125delA, p.Asp42Valfs (NM_001407296.1); c.185delA, p.Asp62Valfs (NM_001407297.1, NM_001407298.1, NM_001407299.1 and 3 more transcripts); c.-701delA (NM_001407304.1, NM_001407305.1, NM_001407306.1 and 5 more transcripts); short protein forms D62fs.
Identifiers: ClinVar variation 1781478 (VCV001781478.8), dbSNP rs2506534070, ClinGen allele CA2580091381.
Genomic context (GRCh38, chr16:23,637,875, plus strand): 5'-AATAAAGCAGGCATAAGTGAATGGTCTAGATTTACCTGAGTGTTTTAGCTGCGGTGAGAG[AT>A]CCTGCTGAGACAAACAATCTTGTTCTTCTACTGTTTTCTTAATAGAATGCTTAATCTTTT-3'

ClinVar aggregate classification (germline): Pathogenic. Review status: criteria provided, multiple submitters, no conflicts (2 of 4 stars). 3 submissions from 3 submitters: Pathogenic (3). Last evaluated 2026-01-13.

Conditions:
Hereditary cancer-predisposing syndrome. Also called: Neoplastic Syndromes, Hereditary; Tumor predisposition; Hereditary Cancer Syndrome; Hereditary neoplastic syndrome. Identifiers: Orphanet 140162, MedGen C0027672, MeSH D009386, MONDO:0015356.
Familial cancer of breast. Also called: BREAST CANCER, FAMILIAL; Hereditary breast cancer; hereditary breast carcinoma. Identifiers: Orphanet 227535, MedGen C0346153, MONDO:0016419, OMIM 114480. Disease mechanism: loss of function.

Submissions (3):

Labcorp Genetics (formerly Invitae), Labcorp
Classification: Pathogenic for Familial cancer of breast. Last evaluated: 2026-01-13. Review status: criteria provided, single submitter. Criteria: Invitae Variant Classification Sherloc (09022015). Collection method: clinical testing. Allele origin: germline.
Comment: This sequence change creates a premature translational stop signal (p.Asp62Valfs*6) in the PALB2 gene. It is expected to result in an absent or disrupted protein product. Loss-of-function variants in PALB2 are known to be pathogenic (PMID: 17200668, 17200671, 17200672, 24136930, 25099575). This variant is not present in population databases (gnomAD no frequency). This variant has not been reported in the literature in individuals affected with PALB2-related conditions. ClinVar contains an entry for this variant (Variation ID: 1781478). For these reasons, this variant has been classified as Pathogenic.

Myriad Genetics, Inc.
Classification: Pathogenic for Familial cancer of breast. Last evaluated: 2023-09-06. Review status: criteria provided, single submitter. Criteria: Myriad Autosomal Dominant, Autosomal Recessive and X-Linked Classification Criteria (2023). Collection method: clinical testing. Allele origin: unknown.
Comment: This variant is considered pathogenic. This variant creates a frameshift predicted to result in premature protein truncation.

Ambry Genetics
Classification: Pathogenic for Hereditary cancer-predisposing syndrome. Last evaluated: 2022-04-26. Review status: criteria provided, single submitter. Criteria: Ambry Variant Classification Scheme 2023. Collection method: clinical testing. Allele origin: germline.
Comment: The c.185delA pathogenic mutation, located in coding exon 3 of the PALB2 gene, results from a deletion of one nucleotide at nucleotide position 185, causing a translational frameshift with a predicted alternate stop codon (p.D62Vfs*6). This alteration is expected to result in loss of function by premature protein truncation or nonsense-mediated mRNA decay. As such, this alteration is interpreted as a disease-causing mutation.

Literature cited by the submitters: PubMed 17200668 (cited by Labcorp Genetics (formerly Invitae), Labcorp); PubMed 17200671 (cited by Labcorp Genetics (formerly Invitae), Labcorp); PubMed 17200672 (cited by Labcorp Genetics (formerly Invitae), Labcorp); PubMed 24136930 (cited by Labcorp Genetics (formerly Invitae), Labcorp); PubMed 25099575 (cited by Labcorp Genetics (formerly Invitae), Labcorp).